The following is an entry in ClinVar:

NM_018718.3(CEP41):c.423T>C (p.Ser141=)

Gene: CEP41 (centrosomal protein 41; minus strand). Cytogenetic location: 7q32.2.
Variant type: single nucleotide variant.
Coding change: c.423T>C on transcript NM_018718.3 (MANE Select); coding-DNA position 423, T replaced by C.
Protein change: p.Ser141=; no amino-acid change (serine 141 retained).
Molecular consequence: synonymous variant. On other transcripts: non-coding transcript variant (1).
Genome position (GRCh38, 1-based): chr7:130,402,799, A>G on the plus strand (T>C on the coding strand, the complement: CEP41 is on the minus strand). VCF-style: chr7-130402799-A-G. GRCh37 (hg19) VCF-style: chr7-130042640-A-G.
Other names: c.423T>C, p.Ser141= (NM_001257158.2); c.375T>C, p.Ser125= (NM_001257159.2).
Identifiers: ClinVar variation 2143575 (VCV002143575.4), dbSNP rs2536060424, ClinGen allele CA457656851.

ClinVar aggregate classification (germline): Uncertain significance (1 of 4 stars; one submission).

Conditions:
Joubert syndrome 15 (JBTS15). Identifiers: Orphanet 475, MedGen C3280897, MONDO:0013763, OMIM 614464.

Submission:

Labcorp Genetics (formerly Invitae), Labcorp
Classification: Uncertain significance for Joubert syndrome 15. Last evaluated: 2022-06-14. Review status: criteria provided, single submitter. Criteria: Invitae Variant Classification Sherloc (09022015). Collection method: clinical testing. Allele origin: germline.
Comment: This sequence change affects codon 141 of the CEP41 mRNA. It is a 'silent' change, meaning that it does not change the encoded amino acid sequence of the CEP41 protein. It affects a nucleotide within the consensus splice site. This variant is not present in population databases (gnomAD no frequency). This variant has not been reported in the literature in individuals affected with CEP41-related conditions. Algorithms developed to predict the effect of sequence changes on RNA splicing suggest that this variant is not likely to affect RNA splicing. In summary, the available evidence is currently insufficient to determine the role of this variant in disease. Therefore, it has been classified as a Variant of Uncertain Significance.